The following is an entry in ClinVar:

NM_017849.4(TMEM127):c.8C>G (p.Ala3Gly)

Genes: TMEM127 (transmembrane protein 127; minus strand), LOC129934333 (ATAC-STARR-seq lymphoblastoid silent region 11759; plus strand). Cytogenetic location: 2q11.2.
Variant type: single nucleotide variant.
Coding change: c.8C>G on transcript NM_017849.4 (MANE Select); coding-DNA position 8, C replaced by G.
Protein change: p.Ala3Gly; replaces alanine 3 with glycine.
Molecular consequence: missense variant.
Genome position (GRCh38, 1-based): chr2:96,265,374, G>C on the plus strand (C>G on the coding strand, the complement: TMEM127 is on the minus strand). VCF-style: chr2-96265374-G-C. GRCh37 (hg19) VCF-style: chr2-96931112-G-C.
Other names: c.8C>G, p.Ala3Gly (NM_001193304.3); short protein forms A3G.
Identifiers: ClinVar variation 1765418 (VCV001765418.7), dbSNP rs1553437754, ClinGen allele CA347656349.

ClinVar aggregate classification (germline): Uncertain significance. Review status: criteria provided, multiple submitters, no conflicts (2 of 4 stars). 2 submissions from 2 submitters: Uncertain significance (2). Last evaluated 2022-07-12.

Conditions:
Hereditary cancer-predisposing syndrome. Also called: Tumor predisposition; Hereditary Cancer Syndrome; Hereditary neoplastic syndrome; Neoplastic Syndromes, Hereditary. Identifiers: Orphanet 140162, MedGen C0027672, MeSH D009386, MONDO:0015356.
Hereditary pheochromocytoma and paraganglioma. Also called: Hereditary paragangliomas and pheochromocytomas; Hereditary Paraganglioma-Pheochromocytoma Syndromes; Hereditary pheochromocytoma-paraganglioma. Identifiers: Orphanet 29072, MedGen C4274332, MONDO:0017366.

Submissions (2):

Ambry Genetics
Classification: Uncertain significance for Hereditary cancer-predisposing syndrome. Last evaluated: 2022-07-12. Review status: criteria provided, single submitter. Criteria: Ambry Variant Classification Scheme 2023. Collection method: clinical testing. Allele origin: germline.
Comment: The p.A3G variant (also known as c.8C>G), located in coding exon 1 of the TMEM127 gene, results from a C to G substitution at nucleotide position 8. The alanine at codon 3 is replaced by glycine, an amino acid with similar properties. This amino acid position is conserved. In addition, the in silico prediction for this alteration is inconclusive. Since supporting evidence is limited at this time, the clinical significance of this alteration remains unclear.

Labcorp Genetics (formerly Invitae), Labcorp
Classification: Uncertain significance for Hereditary pheochromocytoma and paraganglioma. Last evaluated: 2022-02-19. Review status: criteria provided, single submitter. Criteria: Invitae Variant Classification Sherloc (09022015). Collection method: clinical testing. Allele origin: germline.
Comment: This sequence change replaces alanine, which is neutral and non-polar, with glycine, which is neutral and non-polar, at codon 3 of the TMEM127 protein (p.Ala3Gly). In summary, the available evidence is currently insufficient to determine the role of this variant in disease. Therefore, it has been classified as a Variant of Uncertain Significance. Algorithms developed to predict the effect of missense changes on protein structure and function are either unavailable or do not agree on the potential impact of this missense change (SIFT: "Deleterious"; PolyPhen-2: "Not Available"; Align-GVGD: "Class C0"). This variant has not been reported in the literature in individuals affected with TMEM127-related conditions. This variant is not present in population databases (gnomAD no frequency).